The following is an entry in ClinVar:

ClinVar aggregate classification (germline): Conflicting classifications of pathogenicity. Review status: criteria provided, conflicting classifications (1 of 4 stars). 2 submissions from 2 submitters: Pathogenic (1); Uncertain significance (1). Last evaluated 2026-07-29.

Conditions:
Hereditary cancer-predisposing syndrome. Also called: Neoplastic Syndromes, Hereditary; Hereditary Cancer Syndrome; Hereditary neoplastic syndrome; Tumor predisposition. Identifiers: Orphanet 140162, MedGen C0027672, MeSH D009386, MONDO:0015356.

Submissions (2):

Ambry Genetics
Classification: Uncertain significance for Hereditary cancer-predisposing syndrome. Last evaluated: 2026-07-29. Review status: criteria provided, single submitter. Criteria: Ambry Variant Classification Scheme 2023. Collection method: clinical testing. Allele origin: germline.
Comment: The c.905delG variant, located in coding exon 9 of the POLE gene, results from a deletion of one nucleotide at nucleotide position 905, causing a translational frameshift with a predicted alternate stop codon (p.G302Afs*42). This alteration is expected to result in loss of function by premature protein truncation or nonsense-mediated mRNA decay. Although biallelic loss of function of POLE has been associated with autosomal recessive POLE deficiency, haploinsufficiency of POLE has not been established as a mechanism of disease for POLE-related polymerase proofreading-associated polyposis (PPAP) and POLE-related CMMRD-like syndrome. Based on the supporting evidence, this variant is expected to be causative of POLE deficiency when present along with a second pathogenic variant on the other allele; however, its clinical significance for PPAP and POLE-related CMMRD-like syndrome is unclear.

Labcorp Genetics (formerly Invitae), Labcorp
Classification: Pathogenic. Last evaluated: 2026-01-05. Review status: criteria provided, single submitter. Criteria: Invitae Variant Classification Sherloc (09022015). Collection method: clinical testing. Allele origin: germline.
Comment: This sequence change creates a premature translational stop signal (p.Gly302Alafs*42) in the POLE gene. It is expected to result in an absent or disrupted protein product. Loss-of-function variants in POLE are known to be pathogenic (PMID: 23230001, 25948378, 30503519). This variant is present in population databases (no rsID available, gnomAD 0.003%). This variant has not been reported in the literature in individuals affected with POLE-related conditions. ClinVar contains an entry for this variant (Variation ID: 639416). For these reasons, this variant has been classified as Pathogenic.

Literature cited by the submitters: PubMed 23230001 (cited by Labcorp Genetics (formerly Invitae), Labcorp); PubMed 25948378 (cited by Labcorp Genetics (formerly Invitae), Labcorp); PubMed 30503519 (cited by Labcorp Genetics (formerly Invitae), Labcorp).

NM_006231.4(POLE):c.905del (p.Gly302fs)

Gene: POLE (DNA polymerase epsilon, catalytic subunit; minus strand). Cytogenetic location: 12q24.33.
Variant type: Deletion.
Coding change: c.905del on transcript NM_006231.4 (MANE Select); coding-DNA position 905, one base deleted (G; older notation c.905delG).
Protein change: p.Gly302fs; shifts the reading frame from glycine 302.
Molecular consequence: frameshift variant.
Genome position (GRCh38, 1-based): chr12:132,676,550, C deleted on the plus strand (G on the coding strand, the reverse complement: POLE is on the minus strand); the first of 2 consecutive C bases (chr12:132,676,550-132,676,551); deleting either gives the same sequence. VCF-style (leftmost placement, unchanged base first): chr12-132676549-GC-G. GRCh37 (hg19) VCF-style: chr12-133253135-GC-G.
Other names: c.905delG (NM_006231.3, NM_006231.2); short protein forms G302fs.
Identifiers: ClinVar variation 639416 (VCV000639416.9), dbSNP rs1412241641, ClinGen allele CA608262381.
Genomic context (GRCh38, chr12:132,676,549, plus strand): 5'-GGGGACCAGACAAGGTCCCCATCCCAGGAGCTTACTTCCCAGAAGCCACCTGCTCACCTG[GC>G]CATCGATCATGTAGGAAATCATCATAATCTGGTCTGTCTCAGCATCAGGAAACTTGAGGG-3'